The following is an entry in ClinVar:

NM_007294.4(BRCA1):c.5278-2638C>T

Gene: BRCA1 (BRCA1 DNA repair associated; minus strand). Cytogenetic location: 17q21.31.
Variant type: single nucleotide variant.
Coding change: c.5278-2638C>T on transcript NM_007294.4 (MANE Select); 2638 bases into the intron before coding-DNA position 5278, C replaced by T.
Molecular consequence: intron variant.
Genome position (GRCh38, 1-based): chr17:43,053,755, G>A on the plus strand (C>T on the coding strand, the complement: BRCA1 is on the minus strand). VCF-style: chr17-43053755-G-A. GRCh37 (hg19) VCF-style: chr17-41205772-G-A.
Other names: IVS 20-2638C>T; c.5341-2638C>T (NM_001407583.1, NM_001407587.1, NM_001407585.1 and 1 more transcripts); c.5137-2638C>T (NM_001407724.1, NM_001407697.1, NM_001407728.1 and 13 more transcripts); c.5131-2638C>T (NM_001407838.1, NM_001407848.1, NM_001407839.1 and 12 more transcripts); c.1894-2638C>T (NM_001408410.1); c.5134-2638C>T (NM_001407741.1, NM_001407747.1, NM_001407745.1 and 21 more transcripts); c.1888-2638C>T (NM_001408415.1, NM_001408412.1, NM_001408413.1 and 2 more transcripts); c.1756-2638C>T (NM_001408483.1, NM_001408491.1, NM_001408481.1 and 5 more transcripts); and 75 more.
Identifiers: ClinVar variation 209277 (VCV000209277.2), dbSNP rs8176290, ClinGen allele CA276249.

ClinVar aggregate classification (germline): Benign (3 of 4 stars; one submission).

Conditions:
Breast-ovarian cancer, familial, susceptibility to, 1 (BROVCA1). Also called: BRCA1 Hereditary Breast and Ovarian Cancer; OVARIAN CANCER, SUSCEPTIBILITY TO. Identifiers: Orphanet 145, MedGen C2676676, MONDO:0011450, OMIM 604370. Disease mechanism: loss of function.

Allele frequency attached by ClinVar (database versions not stated): TOPMed 0.29152; gnomAD 0.30304 and 0.31027; 1000 Genomes Project 30x 0.33526; 1000 Genomes Project 0.34265.
gnomAD v4.1: 47,114 of 151,774 alleles (31%); highest among the groups gnomAD compares: South Asian, 49%; 7,689 homozygotes.

Submission:

Evidence-based Network for the Interpretation of Germline Mutant Alleles (ENIGMA)
Classification: Benign for Breast-ovarian cancer, familial 1. Last evaluated: 2015-01-12. Review status: reviewed by expert panel. Criteria: ENIGMA BRCA1/2 Classification Criteria (2015). Collection method: curation. Allele origin: germline.
Comment: Class 1 not pathogenic based on frequency >1% in an outbred sampleset. Frequency 0.3304 (Asian), 0.2134 (African), 0.3602 (European), derived from 1000 genomes (2012-04-30).